The following is an entry in ClinVar:

ClinVar aggregate classification (germline): Conflicting classifications of pathogenicity. Review status: criteria provided, conflicting classifications (1 of 4 stars). 3 submissions from 3 submitters: Likely pathogenic (1); Uncertain significance (1). 1 of the submissions does not count toward it. Last evaluated 2025-09-11.

Conditions:
VWF-related disorder. Also called: VWF-related disorders; VWF-related condition.
von Willebrand disease type 2 (VWD2). Also called: VON WILLEBRAND DISEASE, TYPE 2A/IIE; VON WILLEBRAND DISEASE, TYPE 2CB; VON WILLEBRAND DISEASE, TYPE II; VWD, TYPE 2. Identifiers: Orphanet 166081, Orphanet 903, MedGen C1264040, MONDO:0013304, OMIM 613554.

Allele frequency attached by ClinVar (database versions not stated): gnomAD exomes below 0.00001 and 0.00001; gnomAD 0.00001; TOPMed 0.00002.
gnomAD v4.1: 18 of 1,613,594 alleles (0.0011%); highest among the groups gnomAD compares: Middle Eastern, 0.017%; no homozygotes.

Submissions (3):

PreventionGenetics, part of Exact Sciences
Classification: Uncertain significance for VWF-related condition. Last evaluated: 2025-09-11. Review status: criteria provided, single submitter. Criteria: ACMG Guidelines, 2015. Collection method: clinical testing. Allele origin: germline.
Comment: The VWF c.4717G>A variant is predicted to result in the amino acid substitution p.Gly1573Ser. This variant has been reported in an individual with von Willebrand disease, type 2A (Atiq et al. 2022. PubMed ID: 35747851). This variant is reported as likely pathogenic by single submitter to ClinVar, however additional information is not provided. This variant is reported in 0.00088% of alleles in individuals of European (Non-Finnish) descent in gnomAD. Although we suspect that this variant is pathogenic, at this time, the clinical significance of this variant is uncertain due to the absence of conclusive functional and genetic evidence.

Laboratory of Hematology, Radboud University Medical Center
Classification: Likely pathogenic for von Willebrand disease type 2. Last evaluated: 2021-05-04. Review status: criteria provided, single submitter. Criteria: ACMG Guidelines, 2015. Collection method: research. Allele origin: germline. Affected: yes. Observed: 1 variant allele. Study: WIN study.

Academic Unit of Haematology, University of Sheffield
No classification provided. Review status: no classification provided. Collection method: not provided. Allele origin: not provided. Not counted in ClinVar's aggregate classification.

NM_000552.5(VWF):c.4717G>A (p.Gly1573Ser)

Gene: VWF (von Willebrand factor; minus strand). Cytogenetic location: 12p13.31.
Variant type: single nucleotide variant.
Coding change: c.4717G>A on transcript NM_000552.5 (MANE Select); coding-DNA position 4717, G replaced by A.
Protein change: p.Gly1573Ser; replaces glycine 1573 with serine.
Molecular consequence: missense variant.
Genome position (GRCh38, 1-based): chr12:6,018,701, C>T on the plus strand (G>A on the coding strand, the complement: VWF is on the minus strand). VCF-style: chr12-6018701-C-T. GRCh37 (hg19) VCF-style: chr12-6127867-C-T.
Other names: p.G1573S; c.4717G>A (NM_000552.4); short protein forms G1573S.
Identifiers: ClinVar variation 100384 (VCV000100384.3), dbSNP rs267607349, ClinGen allele CA228643.